The following is an entry in ClinVar:

ClinVar aggregate classification (germline): Likely benign. Review status: criteria provided, single submitter (1 of 4 stars). 2 submissions from 2 submitters: Likely benign (1). 1 of the submissions does not count toward it. Last evaluated 2023-05-01.

Conditions:
Charcot-Marie-Tooth disease axonal type 2C (HMSN2C). Also called: Charcot-Marie-Tooth Disease Type 2, TRPV4-Related (CMT2C); CHARCOT-MARIE-TOOTH DISEASE, AXONAL, AUTOSOMAL DOMINANT, TYPE 2C; Charcot-Marie-Tooth Neuropathy Type 2C. Identifiers: Orphanet 99937, MedGen C1853710, MONDO:0011633, OMIM 606071.
TRPV4-related disorder. Also called: TRPV4-related condition; TRPV4-related disorders.

Allele frequency attached by ClinVar (database versions not stated): TOPMed below 0.00001; gnomAD 0.00001; gnomAD exomes 0.00001 and 0.00002; ExAC 0.00002.
gnomAD v4.1: 23 of 1,613,966 alleles (0.0014%); highest among the groups gnomAD compares: East Asian, 0.0022%; no homozygotes.

Submissions (2):

Labcorp Genetics (formerly Invitae), Labcorp
Classification: Likely benign for Charcot-Marie-Tooth disease axonal type 2C. Last evaluated: 2023-05-01. Review status: criteria provided, single submitter. Criteria: Invitae Variant Classification Sherloc (09022015). Collection method: clinical testing. Allele origin: germline.

PreventionGenetics, part of Exact Sciences
Classification: Likely benign for TRPV4-related condition. Last evaluated: 2022-06-13. Review status: no assertion criteria provided. Collection method: clinical testing. Allele origin: germline. Not counted in ClinVar's aggregate classification.
Comment: This variant is classified as likely benign based on ACMG/AMP sequence variant interpretation guidelines (Richards et al. 2015 PMID: 25741868, with internal and published modifications).

NM_021625.5(TRPV4):c.687G>A (p.Ser229=)

Gene: TRPV4 (transient receptor potential cation channel subfamily V member 4; minus strand). Cytogenetic location: 12q24.11.
Variant type: single nucleotide variant.
Coding change: c.687G>A on transcript NM_021625.5 (MANE Select); coding-DNA position 687, G replaced by A.
Protein change: p.Ser229=; no amino-acid change (serine 229 retained).
Molecular consequence: synonymous variant.
Genome position (GRCh38, 1-based): chr12:109,803,016, C>T on the plus strand (G>A on the coding strand, the complement: TRPV4 is on the minus strand). VCF-style: chr12-109803016-C-T. GRCh37 (hg19) VCF-style: chr12-110240821-C-T.
Other names: c.687G>A, p.Ser229= (NM_001177428.2, NM_001177433.2, NM_147204.3); c.585G>A, p.Ser195= (NM_001177431.2).
Identifiers: ClinVar variation 1644018 (VCV001644018.9), dbSNP rs545660001, ClinGen allele CA6780475.
Genomic context (GRCh38, chr12:109,803,016, plus strand): 5'-CCCCCGTGGCACCCCTGCCCAGCCCGGGGCCCCACCTCGATAGTAGATGTCACGGAAGGG[C>T]GAGTTAATGAACTCCCTCATGTTGCCGGTGCGCTCCGCGATGTCCAGCAGCACAGGGATG-3'
Protein context (NP_067638.3, residues 219-239): RTGNMREFIN[Ser229=]PFRDIYYRGQ